The following is an entry in ClinVar:

NM_001039141.3(TRIOBP):c.3415C>A (p.Leu1139Ile)

Gene: TRIOBP (TRIO and F-actin binding protein; plus strand). Cytogenetic location: 22q13.1.
Variant type: single nucleotide variant.
Coding change: c.3415C>A on transcript NM_001039141.3 (MANE Select); coding-DNA position 3415, C replaced by A.
Protein change: p.Leu1139Ile; replaces leucine 1139 with isoleucine.
Molecular consequence: missense variant.
Genome position (GRCh38, 1-based): chr22:37,725,971, C>A. VCF-style: chr22-37725971-C-A. GRCh37 (hg19) VCF-style: chr22-38121978-C-A.
Other names: c.3415C>A (NM_001039141.2); short protein forms L1139I.
Identifiers: ClinVar variation 1414353 (VCV001414353.5), dbSNP rs368173276, ClinGen allele CA10224122.

ClinVar aggregate classification (germline): Uncertain significance. Review status: criteria provided, multiple submitters, no conflicts (2 of 4 stars). 2 submissions from 2 submitters: Uncertain significance (2). Last evaluated 2023-12-18.

Conditions:
Inborn genetic diseases. Identifiers: MedGen C0950123, MeSH D030342.

Allele frequency attached by ClinVar (database versions not stated): gnomAD 0.00003 and 0.00005; TOPMed 0.00003; gnomAD exomes 0.00011; ExAC 0.00012; 1000 Genomes Project 30x 0.00016; 1000 Genomes Project 0.00020; ESP Exome Variant Server 0.00025.
gnomAD v4.1: 98 of 1,611,130 alleles (0.0061%); highest among the groups gnomAD compares: South Asian, 0.063%; no homozygotes.

Submissions (2):

Labcorp Genetics (formerly Invitae), Labcorp
Classification: Uncertain significance. Last evaluated: 2023-12-18. Review status: criteria provided, single submitter. Criteria: Invitae Variant Classification Sherloc (09022015). Collection method: clinical testing. Allele origin: germline.
Comment: This sequence change replaces leucine, which is neutral and non-polar, with isoleucine, which is neutral and non-polar, at codon 1139 of the TRIOBP protein (p.Leu1139Ile). This variant is present in population databases (rs368173276, gnomAD 0.06%). This variant has not been reported in the literature in individuals affected with TRIOBP-related conditions. ClinVar contains an entry for this variant (Variation ID: 1414353). An algorithm developed to predict the effect of missense changes on protein structure and function (PolyPhen-2) suggests that this variant¬†is likely to be tolerated. In summary, the available evidence is currently insufficient to determine the role of this variant in disease. Therefore, it has been classified as a Variant of Uncertain Significance.

Ambry Genetics
Classification: Uncertain significance for Inborn genetic diseases. Last evaluated: 2021-08-12. Review status: criteria provided, single submitter. Criteria: Ambry Variant Classification Scheme 2023. Collection method: clinical testing. Allele origin: germline.